The following is an entry in ClinVar:

NM_001555.5(IGSF1):c.2558A>G (p.Asp853Gly)

Gene: IGSF1 (immunoglobulin superfamily member 1; minus strand). Cytogenetic location: Xq26.1.
Variant type: single nucleotide variant.
Coding change: c.2558A>G on transcript NM_001555.5 (MANE Select); coding-DNA position 2558, A replaced by G.
Protein change: p.Asp853Gly; replaces aspartic acid 853 with glycine.
Molecular consequence: missense variant.
Genome position (GRCh38, 1-based): chrX:131,276,989, T>C on the plus strand (A>G on the coding strand, the complement: IGSF1 is on the minus strand). VCF-style: chrX-131276989-T-C. GRCh37 (hg19) VCF-style: chrX-130410963-T-C.
Other names: c.2573A>G, p.Asp858Gly (NM_001170961.2); c.2531A>G, p.Asp844Gly (NM_001170962.2); short protein forms D844G, D853G, D858G.
Identifiers: ClinVar variation 2629247 (VCV002629247.2), dbSNP rs755298160, ClinGen allele CA10517784.

ClinVar aggregate classification (germline): Uncertain significance. Review status: criteria provided, multiple submitters, no conflicts (2 of 4 stars). 2 submissions from 2 submitters: Uncertain significance (2). Last evaluated 2024-10-06.

Conditions:
Inborn genetic diseases. Identifiers: MedGen C0950123, MeSH D030342.
IGSF1-related disorder. Also called: IGSF1-related condition.

Allele frequency attached by ClinVar (database versions not stated): TOPMed 0.00002; ExAC 0.00001; gnomAD 0.00001; gnomAD exomes 0.00001.
gnomAD v4.1: 10 of 1,209,146 alleles (0.00083%); highest among the groups gnomAD compares: Middle Eastern, 0.023%; no homozygotes.

Submissions (2):

Ambry Genetics
Classification: Uncertain significance for Inborn genetic diseases. Last evaluated: 2024-10-06. Review status: criteria provided, single submitter. Criteria: Ambry Variant Classification Scheme 2023. Collection method: clinical testing. Allele origin: germline.

PreventionGenetics, part of Exact Sciences
Classification: Uncertain significance for IGSF1-related condition. Last evaluated: 2022-10-21. Review status: criteria provided, single submitter. Criteria: ACMG Guidelines, 2015. Collection method: clinical testing. Allele origin: germline.
Comment: The IGSF1 c.2573A>G variant is predicted to result in the amino acid substitution p.Asp858Gly. To our knowledge, this variant has not been reported in the literature. This variant is reported in 0.0037% of alleles in individuals of European (Non-Finnish) descent in gnomAD, including one homozygote. At this time, the clinical significance of this variant is uncertain due to the absence of conclusive functional and genetic evidence.